The following is an entry in ClinVar:

NM_006118.4(HAX1):c.466C>A (p.Pro156Thr)

Gene: HAX1 (HCLS1 associated protein X-1; plus strand). Cytogenetic location: 1q21.3.
Variant type: single nucleotide variant.
Coding change: c.466C>A on transcript NM_006118.4 (MANE Select); coding-DNA position 466, C replaced by A.
Protein change: p.Pro156Thr; replaces proline 156 with threonine.
Molecular consequence: missense variant.
Genome position (GRCh38, 1-based): chr1:154,273,923, C>A. VCF-style: chr1-154273923-C-A. GRCh37 (hg19) VCF-style: chr1-154246399-C-A.
Other names: c.322C>A, p.Pro108Thr (NM_001018837.2); short protein forms P108T, P156T.
Identifiers: ClinVar variation 3856899 (VCV003856899.1).

ClinVar aggregate classification (germline): Uncertain significance (1 of 4 stars; one submission).

Conditions:
Inborn genetic diseases. Identifiers: MedGen C0950123, MeSH D030342.

Submission:

Ambry Genetics
Classification: Uncertain significance for Inborn genetic diseases. Last evaluated: 2025-02-24. Review status: criteria provided, single submitter. Criteria: Ambry Variant Classification Scheme 2023. Collection method: clinical testing. Allele origin: germline.
Comment: The p.P156T variant (also known as c.466C>A), located in coding exon 3 of the HAX1 gene, results from a C to A substitution at nucleotide position 466. The proline at codon 156 is replaced by threonine, an amino acid with highly similar properties. This amino acid position is conserved. In addition, this alteration is predicted to be tolerated by in silico analysis. Based on the available evidence, the clinical significance of this variant remains unclear.